The following is an entry in ClinVar:

NM_000518.5(HBB):c.92+13G>T

Genes: HBB (hemoglobin subunit beta; minus strand), LOC106099062 (HBB recombination region; plus strand), LOC107133510 (origin of replication at HBB; plus strand). Cytogenetic location: 11p15.4.
Variant type: single nucleotide variant.
Coding change: c.92+13G>T on transcript NM_000518.5 (MANE Select); 13 bases into the intron after coding-DNA position 92, G replaced by T.
Molecular consequence: intron variant.
Genome position (GRCh38, 1-based): chr11:5,226,917, C>A on the plus strand (G>T on the coding strand, the complement: HBB is on the minus strand). VCF-style: chr11-5226917-C-A. GRCh37 (hg19) VCF-style: chr11-5248147-C-A.
Other names: IVS I-13 G>T; c.92+13G>T (NM_000518.4).
Identifiers: ClinVar variation 869245 (VCV000869245.13), dbSNP rs753444453, ClinGen allele CA5839809.

ClinVar aggregate classification (germline): Uncertain significance. Review status: reviewed by expert panel (3 of 4 stars). 4 submissions from 4 submitters: Uncertain significance (1). 3 of the submissions do not count toward it. Last evaluated 2026-04-30.

Conditions:
beta Thalassemia (BTHAL). Also called: Cooley's anemia; Erythroblastic anemia; Mediterranean anemia. Identifiers: Orphanet 848, MedGen C0005283, MONDO:0019402. Disease mechanism: loss of function.
Beta-thalassemia HBB/LCRB. Identifiers: MedGen CN322236, MONDO:0013517, OMIM 613985.

Allele frequency attached by ClinVar (database versions not stated): TOPMed below 0.00001; ExAC 0.00001; gnomAD exomes below 0.00001.

Submissions (4):

ClinGen Hemoglobinopathy Variant Curation Expert Panel, ClinGen
Classification: Uncertain significance for Beta-thalassemia HBB/LCRB. Last evaluated: 2026-04-30. Review status: reviewed by expert panel. Criteria: ClinGen Hb Opathy ACMG Specifications HBB V1.0.0. Collection method: curation. Allele origin: germline. Inheritance: Autosomal recessive inheritance.
Comment: The c.92+13G>T variant is found in intron 1 of HBB, and is absent from gnomAD v4.1 [PM2_P]. The results from two in silico predictors, CADD (PHRED score 2.208; VCEP threshold ≤11) and SpliceAI (Δ score 0; VCEP threshold ≤0.3), suggest that this variant is not expected to impact HBB function [BP4]. In summary, due to insufficient and conflicting evidence, the c.92+13G>T variant is classified as a variant of uncertain significance (VUS) for autosomal recessive beta-thalassemia HBB/LCRB (MONDO:0013517) based on the ACMG/AMP criteria applied, as specified by the ClinGen Hemoglobinopathy VCEP (specification version 1.0.0): PM2_P, BP4

Women's Health and Genetics/Laboratory Corporation of America, LabCorp
Classification: Likely benign. Last evaluated: 2024-02-19. Review status: criteria provided, single submitter. Criteria: LabCorp Variant Classification Summary - May 2015. Collection method: clinical testing. Allele origin: germline. Not counted in ClinVar's aggregate classification.

Labcorp Genetics (formerly Invitae), Labcorp
Classification: Likely benign. Last evaluated: 2023-06-02. Review status: criteria provided, single submitter. Criteria: Invitae Variant Classification Sherloc (09022015). Collection method: clinical testing. Allele origin: germline. Not counted in ClinVar's aggregate classification.

The ITHANET community portal, The Cyprus Institute of Neurology and Genetics
Classification: Benign for beta Thalassemia. Last evaluated: 2019-11-25. Review status: no assertion criteria provided. Collection method: curation. Allele origin: germline. Not counted in ClinVar's aggregate classification.

Literature cited by the submitters: PubMed 6188062 (cited by The ITHANET community portal, The Cyprus Institute of Neurology and Genetics).